The following is an entry in ClinVar:

ClinVar aggregate classification (germline): Uncertain significance (1 of 4 stars; one submission).

gnomAD v4.1: 2 of 1,584,326 alleles (0.00013%); highest among the groups gnomAD compares: Non-Finnish European, 0.00017%; no homozygotes.

Submission:

Labcorp Genetics (formerly Invitae), Labcorp
Classification: Uncertain significance. Last evaluated: 2025-03-18. Review status: criteria provided, single submitter. Criteria: Invitae Variant Classification Sherloc (09022015). Collection method: clinical testing. Allele origin: germline.
Comment: This sequence change replaces leucine, which is neutral and non-polar, with valine, which is neutral and non-polar, at codon 255 of the TNFRSF6B protein (p.Leu255Val). This variant is not present in population databases (gnomAD no frequency). This variant has not been reported in the literature in individuals affected with TNFRSF6B-related conditions. An algorithm developed to predict the effect of missense changes on protein structure and function (PolyPhen-2) suggests that this variant is likely to be tolerated. Algorithms developed to predict the effect of sequence changes on RNA splicing suggest that this variant may create or strengthen a splice site. In summary, the available evidence is currently insufficient to determine the role of this variant in disease. Therefore, it has been classified as a Variant of Uncertain Significance.

NM_003823.4(TNFRSF6B):c.763C>G (p.Leu255Val)

Genes: RTEL1-TNFRSF6B (RTEL1-TNFRSF6B readthrough (NMD candidate); plus strand), TNFRSF6B (TNF receptor superfamily member 6b; plus strand). Cytogenetic location: 20q13.33.
Variant type: single nucleotide variant.
Coding change: c.763C>G on transcript NM_003823.4 (MANE Select); coding-DNA position 763, C replaced by G.
Protein change: p.Leu255Val; replaces leucine 255 with valine.
Molecular consequence: missense variant. On other transcripts: non-coding transcript variant (1).
Genome position (GRCh38, 1-based): chr20:63,698,423, C>G. VCF-style: chr20-63698423-C-G. GRCh37 (hg19) VCF-style: chr20-62329776-C-G.
Other names: short protein forms L255V.
Identifiers: ClinVar variation 4696117 (VCV004696117.1).